The following is an entry in ClinVar:

ClinVar aggregate classification (germline): Benign. Review status: criteria provided, multiple submitters, no conflicts (2 of 4 stars). 2 submissions from 2 submitters: Benign (2). Last evaluated 2026-02-02.

Allele frequency attached by ClinVar (database versions not stated): 1000 Genomes Project 0.00679; 1000 Genomes Project 30x 0.00687; gnomAD 0.01747 and 0.01800; TOPMed 0.01785; ExAC 0.01949; gnomAD exomes 0.01971 and 0.02841; ESP Exome Variant Server 0.02230.
gnomAD v4.1: 44,493 of 1,614,114 alleles (2.8%); highest among the groups gnomAD compares: Non-Finnish European, 3.2%; 751 homozygotes.

Submissions (2):

Labcorp Genetics (formerly Invitae), Labcorp
Classification: Benign. Last evaluated: 2026-02-02. Review status: criteria provided, single submitter. Criteria: Invitae Variant Classification Sherloc (09022015). Collection method: clinical testing. Allele origin: germline.

Mayo Clinic Laboratories, Mayo Clinic
Classification: Benign. Last evaluated: 2024-07-23. Review status: criteria provided, single submitter. Criteria: ACMG Guidelines, 2015. Collection method: clinical testing. Allele origin: germline. Observed: 9 variant alleles.
Comment: BS1, BS2, BP4

NM_021813.4(BACH2):c.871C>G (p.Leu291Val)

Gene: BACH2 (BACH transcriptional regulator 2; minus strand). Cytogenetic location: 6q15.
Variant type: single nucleotide variant.
Coding change: c.871C>G on transcript NM_021813.4 (MANE Select); coding-DNA position 871, C replaced by G.
Protein change: p.Leu291Val; replaces leucine 291 with valine.
Molecular consequence: missense variant.
Genome position (GRCh38, 1-based): chr6:89,951,235, G>C on the plus strand (C>G on the coding strand, the complement: BACH2 is on the minus strand). VCF-style: chr6-89951235-G-C. GRCh37 (hg19) VCF-style: chr6-90660954-G-C.
Other names: p.Leu291Val; c.871C>G, p.Leu291Val (NM_001170794.2); short protein forms L291V.
Identifiers: ClinVar variation 1167842 (VCV001167842.10), dbSNP rs61754114, ClinGen allele CA3928092.
Genomic context (GRCh38, chr6:89,951,235, plus strand): 5'-GGTCCATCTCGACATCCCCCGCTCTGTCCTTGGCGTCAGGCTCATCTCCAGACAGGCAGA[G>C]CGTGATGCTCTCTTCCTCATTCTCTTCACTGGGCGGCTCACTTTTAATCTGCCCCCTGGC-3'
Protein context (NP_068585.1, residues 281-301): SEENEEESIT[Leu291Val]CLSGDEPDAK